The following is an entry in ClinVar:

NM_032242.4(PLXNA1):c.209G>A (p.Arg70His)

Gene: PLXNA1 (plexin A1; plus strand). Cytogenetic location: 3q21.3.
Variant type: single nucleotide variant.
Coding change: c.209G>A on transcript NM_032242.4 (MANE Select); coding-DNA position 209, G replaced by A.
Protein change: p.Arg70His; replaces arginine 70 with histidine.
Molecular consequence: missense variant.
Genome position (GRCh38, 1-based): chr3:126,988,802, G>A. VCF-style: chr3-126988802-G-A. GRCh37 (hg19) VCF-style: chr3-126707645-G-A.
Other names: short protein forms R70H.
Identifiers: ClinVar variation 3057361 (VCV003057361.3), dbSNP rs2078974408, ClinGen allele CA354370208.
Genomic context (GRCh38, chr3:126,988,802, plus strand): 5'-GCCTCACCCACCTAGTGGTGCATGAGCAGACAGGCGAGGTGTATGTGGGCGCAGTGAACC[G>A]CATCTATAAGCTGTCGGGGAACCTGACACTGCTGCGGGCCCACGTCACGGGCCCTGTGGA-3'
Protein context (NP_115618.3, residues 60-80): TGEVYVGAVN[Arg70His]IYKLSGNLTL

ClinVar aggregate classification (germline): Uncertain significance (1 of 4 stars; one submission).

Conditions:
PLXNA1-related disorder. Also called: PLXNA1-related condition.

Allele frequency attached by ClinVar (database versions not stated): TOPMed 0.00001.
gnomAD v4.1: 30 of 1,612,404 alleles (0.0019%); highest among the groups gnomAD compares: Non-Finnish European, 0.0023%; no homozygotes.

Submission:

PreventionGenetics, part of Exact Sciences
Classification: Uncertain significance for PLXNA1-related condition. Last evaluated: 2026-09-24. Review status: criteria provided, single submitter. Criteria: ACMG Guidelines, 2015. Collection method: clinical testing. Allele origin: germline.
Comment: The PLXNA1 c.209G>A variant is predicted to result in the amino acid substitution p.Arg70His. To our knowledge, this variant has not been reported in the literature or in a large population database (gnomAD), indicating this variant is rare. At this time, the clinical significance of this variant is uncertain due to the absence of conclusive functional and genetic evidence.